The following is an entry in ClinVar:

NM_006393.3(NEBL):c.2450G>A (p.Ser817Asn)

Gene: NEBL (nebulette; minus strand). Cytogenetic location: 10p12.31.
Variant type: single nucleotide variant.
Coding change: c.2450G>A on transcript NM_006393.3 (MANE Select); coding-DNA position 2450, G replaced by A.
Protein change: p.Ser817Asn; replaces serine 817 with asparagine.
Molecular consequence: missense variant.
Genome position (GRCh38, 1-based): chr10:20,812,837, C>T on the plus strand (G>A on the coding strand, the complement: NEBL is on the minus strand). VCF-style: chr10-20812837-C-T. GRCh37 (hg19) VCF-style: chr10-21101766-C-T.
Other names: c.461G>A, p.Ser154Asn (NM_001173484.2, NM_001377322.1, NM_213569.2); c.413G>A, p.Ser138Asn (NM_001377323.1); c.404G>A, p.Ser135Asn (NM_001377324.1); c.395G>A, p.Ser132Asn (NM_001377325.1); c.353G>A, p.Ser118Asn (NM_001377326.1, NM_001377327.1, NM_001377328.1); short protein forms S118N, S132N, S135N, S138N, S154N, S817N.
Identifiers: ClinVar variation 3225569 (VCV003225569.1), dbSNP rs2491599636, ClinGen allele CA376093321.

ClinVar aggregate classification (germline): Uncertain significance (1 of 4 stars; one submission).

Allele frequency attached by ClinVar (database versions not stated): gnomAD exomes below 0.00001.
gnomAD v4.1: 3 of 1,614,066 alleles (0.00019%); highest among the groups gnomAD compares: Non-Finnish European, 0.00025%; no homozygotes.

Submission:

Ambry Genetics
Classification: Uncertain significance. Last evaluated: 2023-12-29. Review status: criteria provided, single submitter. Criteria: Ambry Variant Classification Scheme 2023. Collection method: clinical testing. Allele origin: germline.
Comment: The p.S817N variant (also known as c.2450G>A), located in coding exon 24 of the NEBL gene, results from a G to A substitution at nucleotide position 2450. The serine at codon 817 is replaced by asparagine, an amino acid with highly similar properties. This amino acid position is conserved. In addition, this alteration is predicted to be tolerated by in silico analysis. Since supporting evidence is limited at this time, the clinical significance of this alteration remains unclear.